The following is an entry in ClinVar:

ClinVar aggregate classification (germline): Uncertain significance. Review status: criteria provided, multiple submitters, no conflicts (2 of 4 stars). 2 submissions from 2 submitters: Uncertain significance (2). Last evaluated 2024-09-05.

Conditions:
Inborn genetic diseases. Identifiers: MedGen C0950123, MeSH D030342.
Polyglucosan body myopathy type 1 (PGBM1). Also called: Polyglucosan body myopathy 1 with or without immunodeficiency; POLYGLUCOSAN BODY MYOPATHY WITHOUT IMMUNODEFICIENCY. Identifiers: Orphanet 329173, Orphanet 397937, MedGen C4014605, MONDO:0014389, OMIM 615895.

Allele frequency attached by ClinVar (database versions not stated): gnomAD exomes below 0.00001; TOPMed 0.00001.
gnomAD v4.1: 6 of 1,612,266 alleles (0.00037%); highest among the groups gnomAD compares: African/African-American, 0.0013%; no homozygotes.

Submissions (2):

Labcorp Genetics (formerly Invitae), Labcorp
Classification: Uncertain significance for Polyglucosan body myopathy type 1. Last evaluated: 2024-09-05. Review status: criteria provided, single submitter. Criteria: Invitae Variant Classification Sherloc (09022015). Collection method: clinical testing. Allele origin: germline.
Comment: This sequence change replaces lysine, which is basic and polar, with glutamic acid, which is acidic and polar, at codon 457 of the RBCK1 protein (p.Lys457Glu). This variant is not present in population databases (gnomAD no frequency). This variant has not been reported in the literature in individuals affected with RBCK1-related conditions. ClinVar contains an entry for this variant (Variation ID: 1897467). Invitae Evidence Modeling of protein sequence and biophysical properties (such as structural, functional, and spatial information, amino acid conservation, physicochemical variation, residue mobility, and thermodynamic stability) indicates that this missense variant is expected to disrupt RBCK1 protein function with a positive predictive value of 80%. In summary, the available evidence is currently insufficient to determine the role of this variant in disease. Therefore, it has been classified as a Variant of Uncertain Significance.

Ambry Genetics
Classification: Uncertain significance for Inborn genetic diseases. Last evaluated: 2023-03-13. Review status: criteria provided, single submitter. Criteria: Ambry Variant Classification Scheme 2023. Collection method: clinical testing. Allele origin: germline.

NM_031229.4(RBCK1):c.1369A>G (p.Lys457Glu)

Gene: RBCK1 (RANBP2-type and C3HC4-type zinc finger containing 1; plus strand). Cytogenetic location: 20p13.
Variant type: single nucleotide variant.
Coding change: c.1369A>G on transcript NM_031229.4 (MANE Select); coding-DNA position 1369, A replaced by G.
Protein change: p.Lys457Glu; replaces lysine 457 with glutamic acid.
Molecular consequence: missense variant. On other transcripts: non-coding transcript variant (1).
Genome position (GRCh38, 1-based): chr20:429,011, A>G. VCF-style: chr20-429011-A-G. GRCh37 (hg19) VCF-style: chr20-409655-A-G.
Other names: c.1369A>G (NM_031229.2); c.859A>G, p.Lys287Glu (NM_001323956.2, NM_001323958.2); c.1420A>G, p.Lys474Glu (NM_001410770.1); c.1243A>G, p.Lys415Glu (NM_006462.6); short protein forms K457E, K474E, K287E, K415E.
Identifiers: ClinVar variation 1897467 (VCV001897467.6), dbSNP rs1342462180, ClinGen allele CA407938326.
Genomic context (GRCh38, chr20:429,011, plus strand): 5'-GTGATGCTGCAGCAGGGCGAGGCCATGCGCTGCCCCCAGTGCCAGATCGTGGTACAGAAG[A>G]AGGACGGCTGCGACTGGATCCGCTGCACCGTCTGCCACACCGAGATCTGCTGGGTCACCA-3'
Protein context (NP_112506.2, residues 447-467): CPQCQIVVQK[Lys457Glu]DGCDWIRCTV